The following is an entry in ClinVar:

NM_138420.4(AHNAK2):c.10500G>A (p.Ala3500=)

Gene: AHNAK2 (AHNAK nucleoprotein 2; minus strand). Cytogenetic location: 14q32.33.
Variant type: single nucleotide variant.
Coding change: c.10500G>A on transcript NM_138420.4 (MANE Select); coding-DNA position 10500, G replaced by A.
Protein change: p.Ala3500=; no amino-acid change (alanine 3500 retained).
Molecular consequence: synonymous variant.
Genome position (GRCh38, 1-based): chr14:104,944,951, C>T on the plus strand (G>A on the coding strand, the complement: AHNAK2 is on the minus strand). VCF-style: chr14-104944951-C-T. GRCh37 (hg19) VCF-style: chr14-105411288-C-T.
Other names: c.10200G>A, p.Ala3400= (NM_001350929.2).
Identifiers: ClinVar variation 2644667 (VCV002644667.24), dbSNP rs199731572, ClinGen allele CA7379100.

ClinVar aggregate classification (germline): Likely benign (1 of 4 stars; one submission).

Allele frequency attached by ClinVar (database versions not stated): gnomAD 0.00018; TOPMed 0.00019; ExAC 0.00022; gnomAD exomes 0.00025.
gnomAD v4.1: 392 of 1,612,596 alleles (0.024%); highest among the groups gnomAD compares: South Asian, 0.034%; no homozygotes.

Submission:

CeGaT Center for Human Genetics Tuebingen
Classification: Likely benign. Last evaluated: 2022-10-01. Review status: criteria provided, single submitter. Criteria: CeGaT Center For Human Genetics Tuebingen Variant Classification Criteria Version 2. Collection method: clinical testing. Allele origin: germline. Affected: yes. Observed: 1 variant allele.
Comment: AHNAK2: BP4, BP7